The following is an entry in ClinVar:

ClinVar aggregate classification (germline): Likely benign. Review status: criteria provided, multiple submitters, no conflicts (2 of 4 stars). 2 submissions from 2 submitters: Likely benign (2). Last evaluated 2025-07-01.

Allele frequency attached by ClinVar (database versions not stated): gnomAD exomes 0.00001.
gnomAD v4.1: 3 of 1,613,720 alleles (0.00019%); highest among the groups gnomAD compares: Non-Finnish European, 0.00017%; no homozygotes.

Submissions (2):

CeGaT Center for Human Genetics Tuebingen
Classification: Likely benign. Last evaluated: 2025-07-01. Review status: criteria provided, single submitter. Criteria: CeGaT Center For Human Genetics Tuebingen Variant Classification Criteria Version 2. Collection method: clinical testing. Allele origin: germline. Affected: yes. Observed: 1 variant allele.
Comment: MTOR: BP4, BP7

Labcorp Genetics (formerly Invitae), Labcorp
Classification: Likely benign. Last evaluated: 2023-12-11. Review status: criteria provided, single submitter. Criteria: Invitae Variant Classification Sherloc (09022015). Collection method: clinical testing. Allele origin: germline.

NM_004958.4(MTOR):c.4797G>A (p.Leu1599=)

Genes: MTOR (mechanistic target of rapamycin kinase; minus strand), MTOR-AS1 (MTOR antisense RNA 1; plus strand). Cytogenetic location: 1p36.22.
Variant type: single nucleotide variant.
Coding change: c.4797G>A on transcript NM_004958.4 (MANE Select); coding-DNA position 4797, G replaced by A.
Protein change: p.Leu1599=; no amino-acid change (leucine 1599 retained).
Molecular consequence: synonymous variant. On other transcripts: non-coding transcript variant (1).
Genome position (GRCh38, 1-based): chr1:11,144,723, C>T on the plus strand (G>A on the coding strand, the complement: MTOR is on the minus strand). VCF-style: chr1-11144723-C-T. GRCh37 (hg19) VCF-style: chr1-11204780-C-T.
Other names: c.4797G>A, p.Leu1599= (NM_001386500.1); c.3549G>A, p.Leu1183= (NM_001386501.1).
Identifiers: ClinVar variation 1101450 (VCV001101450.15), dbSNP rs2100506550, ClinGen allele CA415908296.